The following is an entry in ClinVar:

NM_033004.4(NLRP1):c.170T>C (p.Leu57Pro)

Gene: NLRP1 (NLR family pyrin domain containing 1; minus strand). Cytogenetic location: 17p13.2.
Variant type: single nucleotide variant.
Coding change: c.170T>C on transcript NM_033004.4 (MANE Select); coding-DNA position 170, T replaced by C.
Protein change: p.Leu57Pro; replaces leucine 57 with proline.
Molecular consequence: missense variant.
Genome position (GRCh38, 1-based): chr17:5,583,788, A>G on the plus strand (T>C on the coding strand, the complement: NLRP1 is on the minus strand). VCF-style: chr17-5583788-A-G. GRCh37 (hg19) VCF-style: chr17-5487108-A-G.
Other names: c.170T>C, p.Leu57Pro (NM_001033053.3, NM_014922.5, NM_033006.4 and 1 more transcripts); short protein forms L57P.
Identifiers: ClinVar variation 4732236 (VCV004732236.1).

ClinVar aggregate classification (germline): Uncertain significance (1 of 4 stars; one submission).

Submission:

Labcorp Genetics (formerly Invitae), Labcorp
Classification: Uncertain significance. Last evaluated: 2025-12-06. Review status: criteria provided, single submitter. Criteria: Invitae Variant Classification Sherloc (09022015). Collection method: clinical testing. Allele origin: germline.
Comment: This sequence change replaces leucine, which is neutral and non-polar, with proline, which is neutral and non-polar, at codon 57 of the NLRP1 protein (p.Leu57Pro). This variant is not present in population databases (gnomAD no frequency). This variant has not been reported in the literature in individuals affected with NLRP1-related conditions. An algorithm developed to predict the effect of missense changes on protein structure and function (PolyPhen-2) suggests that this variant is likely to be disruptive. In summary, the available evidence is currently insufficient to determine the role of this variant in disease. Therefore, it has been classified as a Variant of Uncertain Significance.